The following is an entry in ClinVar:

ClinVar aggregate classification (germline): Pathogenic/Likely pathogenic. Review status: criteria provided, multiple submitters, no conflicts (2 of 4 stars). 4 submissions from 4 submitters: Pathogenic (2); Likely pathogenic (1). 1 of the submissions does not count toward it. Last evaluated 2025-02-16.

Conditions:
Curry-Hall syndrome (WAD). Also called: WEYERS ACRODENTAL DYSOSTOSIS. Identifiers: Orphanet 952, MedGen C0457013, MONDO:0008673, OMIM 193530.
Ellis-van Creveld syndrome (EVC). Also called: EVC2-Related Ellis-van Creveld Syndrome; EVC-Related Ellis-van Creveld Syndrome; MESOECTODERMAL DYSPLASIA; Chondroectodermal dysplasia. Identifiers: Orphanet 289, MedGen C0013903, MONDO:0009162, OMIM 225500.

Allele frequency attached by ClinVar (database versions not stated): gnomAD exomes 0.00001.

Submissions (4):

Laboratory of Genetics, Children's Clinical University Hospital Latvia
Classification: Pathogenic. Last evaluated: 2025-02-16. Review status: criteria provided, single submitter. Criteria: ACMG Guidelines, 2015. Collection method: clinical testing. Allele origin: germline. Affected: yes.

Fulgent Genetics
Classification: Likely pathogenic for Curry-Hall syndrome; Ellis-van Creveld syndrome. Last evaluated: 2024-01-25. Review status: criteria provided, single submitter. Criteria: ACMG Guidelines, 2015. Collection method: clinical testing. Allele origin: germline.

Labcorp Genetics (formerly Invitae), Labcorp
Classification: Pathogenic for Curry-Hall syndrome; Ellis-van Creveld syndrome. Last evaluated: 2023-12-29. Review status: criteria provided, single submitter. Criteria: Invitae Variant Classification Sherloc (09022015). Collection method: clinical testing. Allele origin: germline.
Comment: This sequence change creates a premature translational stop signal (p.Phe650*) in the EVC2 gene. It is expected to result in an absent or disrupted protein product. Loss-of-function variants in EVC2 are known to be pathogenic (PMID: 17024374, 19810119, 19876929). This variant is present in population databases (no rsID available, gnomAD 0.0009%). This variant has not been reported in the literature in individuals affected with EVC2-related conditions. ClinVar contains an entry for this variant (Variation ID: 557795). For these reasons, this variant has been classified as Pathogenic.

Counsyl
Classification: Likely pathogenic for Ellis-van Creveld syndrome. Last evaluated: 2018-04-06. Review status: no assertion criteria provided. Collection method: clinical testing. Allele origin: unknown. Not counted in ClinVar's aggregate classification.

Literature cited by the submitters: PubMed 17024374 (cited by Labcorp Genetics (formerly Invitae), Labcorp); PubMed 19810119 (cited by Labcorp Genetics (formerly Invitae), Labcorp); PubMed 19876929 (cited by Labcorp Genetics (formerly Invitae), Labcorp).

NM_147127.5(EVC2):c.1949_1963del (p.Phe650_Lys655delinsTer)

Gene: EVC2 (EvC ciliary complex subunit 2; minus strand). Cytogenetic location: 4p16.2.
Variant type: Deletion.
Coding change: c.1949_1963del on transcript NM_147127.5 (MANE Select); coding-DNA positions 1949 to 1963, 15 bases deleted (TTTCAATCAAGCAGA).
Protein change: p.Phe650_Lys655delinsTer.
Molecular consequence: nonsense.
Genome position (GRCh38, 1-based): chr4:5,625,832-5,625,846, TCTGCTTGATTGAAA deleted on the plus strand (TTTCAATCAAGCAGA on the coding strand, the reverse complement: EVC2 is on the minus strand). VCF-style (leftmost placement, unchanged base first): chr4-5625831-TTCTGCTTGATTGAAA-T. GRCh37 (hg19) VCF-style: chr4-5627558-TTCTGCTTGATTGAAA-T.
Other names: c.1709_1723del, p.Phe570_Lys575delinsTer (NM_001166136.2).
Identifiers: ClinVar variation 557795 (VCV000557795.8), dbSNP rs1431987950, ClinGen allele CA549707393.